The following is an entry in ClinVar:

NM_000257.4(MYH7):c.4023C>A (p.Asp1341Glu)

Gene: MYH7 (myosin heavy chain 7; minus strand). Cytogenetic location: 14q11.2.
Variant type: single nucleotide variant.
Coding change: c.4023C>A on transcript NM_000257.4 (MANE Select); coding-DNA position 4023, C replaced by A.
Protein change: p.Asp1341Glu; replaces aspartic acid 1341 with glutamic acid.
Molecular consequence: missense variant.
Genome position (GRCh38, 1-based): chr14:23,418,356, G>T on the plus strand (C>A on the coding strand, the complement: MYH7 is on the minus strand). VCF-style: chr14-23418356-G-T. GRCh37 (hg19) VCF-style: chr14-23887565-G-T.
Other names: short protein forms D1341E.
Identifiers: ClinVar variation 1350868 (VCV001350868.9), dbSNP rs775285385, ClinGen allele CA040117.
Genomic context (GRCh38, chr14:23,418,356, plus strand): 5'-AAGGACGCGCTGCAGCTCGGCCTTGGCCTCCGTCTCCTCCTCGTACTGCTCCCGCAGCAG[G>T]TCGCAGTCATGCCGGGCCGACTGCAGTGCGTGGGCCAGGGCGTTCTTCGCCTGGGGAGGG-3'
Protein context (NP_000248.2, residues 1331-1351): HALQSARHDC[Asp1341Glu]LLREQYEEET

ClinVar aggregate classification (germline): Uncertain significance. Review status: criteria provided, multiple submitters, no conflicts (2 of 4 stars). 3 submissions from 3 submitters: Uncertain significance (3). Last evaluated 2024-01-03.

Conditions:
Cardiomyopathy (CMYO). Also called: Cardiomyopathies. Identifiers: Orphanet 167848, MedGen C0878544, MONDO:0004994, HP:0001638. Inheritance: Various modes of inheritance.
Hypertrophic cardiomyopathy. Also called: HYPERTROPHIC MYOCARDIOPATHY. Identifiers: Orphanet 217569, MedGen C0007194, MeSH D002312, MONDO:0005045, HP:0001639.

Allele frequency attached by ClinVar (database versions not stated): gnomAD exomes below 0.00001 and 0.00001; ExAC 0.00001.

Submissions (3):

All of Us Research Program, National Institutes of Health
Classification: Uncertain significance for Cardiomyopathy. Last evaluated: 2024-01-03. Review status: criteria provided, single submitter. Criteria: ACMG Guidelines, 2015. Collection method: clinical testing. Allele origin: germline. Inheritance: Autosomal dominant inheritance. Observed: 1 variant allele, 1 heterozygote.
Comment: This missense variant replaces aspartic acid with glutamic acid at codon 1341 of the MYH7 protein. Computational prediction tool indicates that this variant may have a neutral impact on protein structure and function. To our knowledge, functional studies have not been reported for this variant. This variant has not been reported in individuals affected with MYH7-related disorders in the literature. This variant has been identified in 2/250936 chromosomes in the general population by the Genome Aggregation Database (gnomAD). The available evidence is insufficient to determine the role of this variant in disease conclusively. Therefore, this variant is classified as a Variant of Uncertain Significance.

This study involves interpretation of variants in research participants for the purpose of population health screening. Participant phenotype was not available at the time of variant classification. Additional details can be found in publication PMID: 35346344, PMCID: PMC8962531

Color Diagnostics, LLC DBA Color Health
Classification: Uncertain significance for Cardiomyopathy. Last evaluated: 2023-12-13. Review status: criteria provided, single submitter. Criteria: ACMG Guidelines, 2015. Collection method: clinical testing. Allele origin: germline.
Comment: This missense variant replaces aspartic acid with glutamic acid at codon 1341 of the MYH7 protein. Computational prediction tool indicates that this variant may have a neutral impact on protein structure and function. To our knowledge, functional studies have not been reported for this variant. This variant has not been reported in individuals affected with MYH7-related disorders in the literature. This variant has been identified in 2/250936 chromosomes in the general population by the Genome Aggregation Database (gnomAD). The available evidence is insufficient to determine the role of this variant in disease conclusively. Therefore, this variant is classified as a Variant of Uncertain Significance.

Labcorp Genetics (formerly Invitae), Labcorp
Classification: Uncertain significance for Hypertrophic cardiomyopathy. Last evaluated: 2022-05-01. Review status: criteria provided, single submitter. Criteria: Invitae Variant Classification Sherloc (09022015). Collection method: clinical testing. Allele origin: germline.
Comment: This variant is present in population databases (rs775285385, gnomAD 0.003%). In summary, the available evidence is currently insufficient to determine the role of this variant in disease. Therefore, it has been classified as a Variant of Uncertain Significance. Algorithms developed to predict the effect of missense changes on protein structure and function are either unavailable or do not agree on the potential impact of this missense change (SIFT: "Deleterious"; PolyPhen-2: "Possibly Damaging"; Align-GVGD: "Class C0"). This variant has not been reported in the literature in individuals affected with MYH7-related conditions. This sequence change replaces aspartic acid, which is acidic and polar, with glutamic acid, which is acidic and polar, at codon 1341 of the MYH7 protein (p.Asp1341Glu).